The following is an entry in ClinVar:

NM_001458.5(FLNC):c.1393C>T (p.Pro465Ser)

Gene: FLNC (filamin C; plus strand). Cytogenetic location: 7q32.1.
Variant type: single nucleotide variant.
Coding change: c.1393C>T on transcript NM_001458.5 (MANE Select); coding-DNA position 1393, C replaced by T.
Protein change: p.Pro465Ser; replaces proline 465 with serine.
Molecular consequence: missense variant.
Genome position (GRCh38, 1-based): chr7:128,838,785, C>T. VCF-style: chr7-128838785-C-T. GRCh37 (hg19) VCF-style: chr7-128478839-C-T.
Other names: c.1393C>T, p.Pro465Ser (NM_001127487.2); short protein forms P465S.
Identifiers: ClinVar variation 3754573 (VCV003754573.2).

ClinVar aggregate classification (germline): Uncertain significance (1 of 4 stars; one submission).

Conditions:
Myofibrillar myopathy 5. Also called: Filaminopathy (type); FILAMINOPATHY, AUTOSOMAL DOMINANT. Identifiers: Orphanet 171445, MedGen C1836050, MONDO:0012289, OMIM 609524.
Distal myopathy with posterior leg and anterior hand involvement. Also called: WILLIAMS DISTAL MYOPATHY. Identifiers: Orphanet 63273, MedGen C3279722, MONDO:0013550, OMIM 614065.
Hypertrophic cardiomyopathy 26. Also called: Cardiomyopathy, familial hypertrophic, 26. Identifiers: Orphanet 75249, MedGen C4310749, MONDO:0014883, OMIM 617047.

gnomAD v4.1: 2 of 1,612,964 alleles (0.00012%); highest among the groups gnomAD compares: Non-Finnish European, 0.00017%; no homozygotes.

Submission:

Labcorp Genetics (formerly Invitae), Labcorp
Classification: Uncertain significance for Distal myopathy with posterior leg and anterior hand involvement; Myofibrillar myopathy 5; Hypertrophic cardiomyopathy 26. Last evaluated: 2024-02-11. Review status: criteria provided, single submitter. Criteria: Invitae Variant Classification Sherloc (09022015). Collection method: clinical testing. Allele origin: germline.
Comment: This sequence change replaces proline, which is neutral and non-polar, with serine, which is neutral and polar, at codon 465 of the FLNC protein (p.Pro465Ser). This variant is present in population databases (rs755651052, gnomAD 0.0009%). This variant has not been reported in the literature in individuals affected with FLNC-related conditions. Advanced modeling of protein sequence and biophysical properties (such as structural, functional, and spatial information, amino acid conservation, physicochemical variation, residue mobility, and thermodynamic stability) has been performed at Invitae for this missense variant, however the output from this modeling did not meet the statistical confidence thresholds required to predict the impact of this variant on FLNC protein function. In summary, the available evidence is currently insufficient to determine the role of this variant in disease. Therefore, it has been classified as a Variant of Uncertain Significance.